The following is an entry in ClinVar:

NM_002941.4(ROBO1):c.2914G>A (p.Ala972Thr)

Gene: ROBO1 (roundabout guidance receptor 1; minus strand). Cytogenetic location: 3p12.3.
Variant type: single nucleotide variant.
Coding change: c.2914G>A on transcript NM_002941.4 (MANE Select); coding-DNA position 2914, G replaced by A.
Protein change: p.Ala972Thr; replaces alanine 972 with threonine.
Molecular consequence: missense variant.
Genome position (GRCh38, 1-based): chr3:78,639,867, C>T on the plus strand (G>A on the coding strand, the complement: ROBO1 is on the minus strand). VCF-style: chr3-78639867-C-T. GRCh37 (hg19) VCF-style: chr3-78689017-C-T.
Other names: c.2779G>A, p.Ala927Thr (NM_001145845.2, NM_133631.4); short protein forms A927T, A972T.
Identifiers: ClinVar variation 995980 (VCV000995980.3), dbSNP rs371174175, ClinGen allele CA2498503.

ClinVar aggregate classification (germline): Uncertain significance. Review status: criteria provided, multiple submitters, no conflicts (2 of 4 stars). 2 submissions from 2 submitters: Uncertain significance (2). Last evaluated 2024-04-25.

Conditions:
Neurodevelopmental delay. Identifiers: MedGen C4022738, HP:0012758.

Allele frequency attached by ClinVar (database versions not stated): ExAC 0.00003; gnomAD 0.00003 and 0.00004; TOPMed 0.00007; ESP Exome Variant Server 0.00008.
gnomAD v4.1: 78 of 1,606,686 alleles (0.0049%); highest among the groups gnomAD compares: Middle Eastern, 0.033%; no homozygotes.

Submissions (2):

Labcorp Genetics (formerly Invitae), Labcorp
Classification: Uncertain significance. Last evaluated: 2024-04-25. Review status: criteria provided, single submitter. Criteria: Invitae Variant Classification Sherloc (09022015). Collection method: clinical testing. Allele origin: germline.
Comment: This sequence change replaces alanine, which is neutral and non-polar, with threonine, which is neutral and polar, at codon 972 of the ROBO1 protein (p.Ala972Thr). This variant is present in population databases (rs371174175, gnomAD 0.01%). This missense change has been observed in individual(s) with developmental delay, intellectual disability, and hyperactivity (PMID: 28286008). This variant is also known as c.2779 G>A, p.Ala927Thr. ClinVar contains an entry for this variant (Variation ID: 995980). Advanced modeling of protein sequence and biophysical properties (such as structural, functional, and spatial information, amino acid conservation, physicochemical variation, residue mobility, and thermodynamic stability) performed at Invitae indicates that this missense variant is not expected to disrupt ROBO1 protein function with a negative predictive value of 95%. In summary, the available evidence is currently insufficient to determine the role of this variant in disease. Therefore, it has been classified as a Variant of Uncertain Significance.

Institute of Human Genetics, University of Leipzig Medical Center
Classification: Uncertain significance for Neurodevelopmental delay. Last evaluated: 2021-01-09. Review status: criteria provided, single submitter. Criteria: ACMG Guidelines, 2015. Collection method: curation. Allele origin: germline. Inheritance: Autosomal recessive inheritance. Affected: yes.
Comment: This variant was reported as [NM_133631.3]: c.2779 G>A (p.Ala927Thr) in an individual (Calloni_Index) with Neurodevelopmental Disorder With Absence of Transverse Pontine Fibers and Thinning of the Anterior Commissure and Corpus Callosum (PMID: 28286008 (calloni2017)). Inheritance was reported as recessive (compound-heterozygous) (maternal). The variant was reviewed according to current ACMG recommendations and classified as Uncertain Significance (criteria: PM3_Supporting) at the variant level; the gene-disease association is currently not established in curated databases.

Literature cited by the submitters: PubMed 28286008 (cited by Labcorp Genetics (formerly Invitae), Labcorp and Institute of Human Genetics, University of Leipzig Medical Center).